The following is an entry in ClinVar:

ClinVar aggregate classification (germline): Pathogenic (1 of 4 stars; one submission).

Conditions:
Autosomal dominant non-syndromic intellectual disability. Identifiers: Orphanet 178469, MedGen C5680502, MONDO:0015802.

Submission:

Department of Human Genetics, University Hospital Bern, Inselspital
Classification: Pathogenic for Autosomal dominant non-syndromic intellectual disability. Last evaluated: 2026-03-23. Review status: criteria provided, single submitter. Criteria: ACMG Guidelines, 2015. Collection method: research. Allele origin: de novo. Affected: yes.
Comment: The C-terminal truncating variant likely escapes nonsense mediated mRNA decay and affects a the important LIM interacting domain . Functional assays showed that it impairs interaction with LIM proteins in a dominant negative manner. In summary, criteria PVS1_Strong, PS3, PS2_Supporting, PM2_Supporting were used.

NM_001113407.3(LDB1):c.951del (p.Ser317fs)

Gene: LDB1 (LIM domain binding 1; minus strand). Cytogenetic location: 10q24.32.
Variant type: Deletion.
Coding change: c.951del on transcript NM_001113407.3 (MANE Select); coding-DNA position 951, one base deleted (C; older notation c.951delC).
Protein change: p.Ser317fs; shifts the reading frame from serine 317.
Molecular consequence: frameshift variant.
Genome position (GRCh38, 1-based): chr10:102,109,083, G deleted on the plus strand (C on the coding strand, the reverse complement: LDB1 is on the minus strand). VCF-style (leftmost placement, unchanged base first): chr10-102109082-TG-T. GRCh37 (hg19) VCF-style: chr10-103868839-TG-T.
Other names: c.951del, p.Ser317fs (NM_001321612.2); c.843del, p.Ser281fs (NM_003893.5); short protein forms S281fs, S317fs.
Identifiers: ClinVar variation 4818728 (VCV004818728.1).
Genomic context (GRCh38, chr10:102,109,082, plus strand): 5'-TGCTTACAGGTACCTGGCTGGAGAGGGCGAAGGTGCTAGCTGGGCTCTTCTTCTTGCTGT[TG>T]CTGTTGTTGGTGTTGCCACCACCAGAGCTCATGGTGCTGCCCCCTGACATCTTCCGTTTC-3'